The following is an entry in ClinVar:

NM_001041.4(SI):c.3667G>T (p.Ala1223Ser)

Gene: SI (sucrase-isomaltase; minus strand). Cytogenetic location: 3q26.1.
Variant type: single nucleotide variant.
Coding change: c.3667G>T on transcript NM_001041.4 (MANE Select); coding-DNA position 3667, G replaced by T.
Protein change: p.Ala1223Ser; replaces alanine 1223 with serine.
Molecular consequence: missense variant.
Genome position (GRCh38, 1-based): chr3:165,017,640, C>A on the plus strand (G>T on the coding strand, the complement: SI is on the minus strand). VCF-style: chr3-165017640-C-A. GRCh37 (hg19) VCF-style: chr3-164735428-C-A.
Other names: short protein forms A1223S.
Identifiers: ClinVar variation 1426510 (VCV001426510.7), dbSNP rs1242103830, ClinGen allele CA355037642.
Genomic context (GRCh38, chr3:165,017,640, plus strand): 5'-ATAATTCCCGAACCTCTGAAGTATTTGCATATCCATAACGACATAATTGGAATCCCAAAG[C>A]CCAATAAGCTGGCATGACTGGATGGCCAATTACCTTTAAAAAAAATTCATGTGTGAACTA-3'
Protein context (NP_001032.2, residues 1213-1233): IGHPVMPAYW[Ala1223Ser]LGFQLCRYGY

ClinVar aggregate classification (germline): Uncertain significance (1 of 4 stars; one submission).

Allele frequency attached by ClinVar (database versions not stated): gnomAD exomes below 0.00001.

Submission:

Labcorp Genetics (formerly Invitae), Labcorp
Classification: Uncertain significance. Last evaluated: 2023-06-03. Review status: criteria provided, single submitter. Criteria: Invitae Variant Classification Sherloc (09022015). Collection method: clinical testing. Allele origin: germline.
Comment: This sequence change replaces alanine, which is neutral and non-polar, with serine, which is neutral and polar, at codon 1223 of the SI protein (p.Ala1223Ser). This variant is present in population databases (no rsID available, gnomAD 0.003%). This variant has not been reported in the literature in individuals affected with SI-related conditions. ClinVar contains an entry for this variant (Variation ID: 1426510). Algorithms developed to predict the effect of missense changes on protein structure and function output the following: SIFT: "Not Available"; PolyPhen-2: "Benign"; Align-GVGD: "Not Available". The serine amino acid residue is found in multiple mammalian species, which suggests that this missense change does not adversely affect protein function. In summary, the available evidence is currently insufficient to determine the role of this variant in disease. Therefore, it has been classified as a Variant of Uncertain Significance.